The following is an entry in ClinVar:

NM_000093.5(COL5A1):c.4251C>T (p.Gly1417=)

Gene: COL5A1 (collagen type V alpha 1 chain; plus strand). Cytogenetic location: 9q34.3.
Variant type: single nucleotide variant.
Coding change: c.4251C>T on transcript NM_000093.5 (MANE Select); coding-DNA position 4251, C replaced by T.
Protein change: p.Gly1417=; no amino-acid change (glycine 1417 retained).
Molecular consequence: synonymous variant.
Genome position (GRCh38, 1-based): chr9:134,818,676, C>T. VCF-style: chr9-134818676-C-T. GRCh37 (hg19) VCF-style: chr9-137710522-C-T.
Other names: c.4251C>T, p.Gly1417= (NM_001278074.1).
Identifiers: ClinVar variation 2905829 (VCV002905829.24), dbSNP rs2490849735, ClinGen allele CA467664209.
Genomic context (GRCh38, chr9:134,818,676, plus strand): 5'-TAGAGCTCCGGACCTCATTCTGCCCTCCGCCGTCCTGCAGGGAGAAGCCGGCTTGGAAGG[C>T]CCTCCTGGGAAGACTGGCCCCATCGGCCCCCAGGGGGCCCCTGGGAAGCCCGGACCGGAT-3'
Protein context (NP_000084.3, residues 1407-1427): KGAKGEAGLE[Gly1417=]PPGKTGPIGP

ClinVar aggregate classification (germline): Likely benign. Review status: criteria provided, multiple submitters, no conflicts (2 of 4 stars). 2 submissions from 2 submitters: Likely benign (2). Last evaluated 2024-03-01.

Conditions:
Ehlers-Danlos syndrome, classic type, 1 (EDSCL1). Also called: Ehlers-Danlos syndrome, type 1; EHLERS-DANLOS SYNDROME, GRAVIS TYPE; EHLERS-DANLOS SYNDROME, SEVERE CLASSIC TYPE; Ehlers-Danlos Syndrome, Classic Type, COL5A1-Related; EDS I. Identifiers: MedGen C0268335, MONDO:0019567, OMIM 130000.

Allele frequency attached by ClinVar (database versions not stated): gnomAD exomes below 0.00001.
gnomAD v4.1: 1 of 1,607,374 alleles (0.000062%); highest among the groups gnomAD compares: Non-Finnish European, 0.000085%; no homozygotes.

Submissions (2):

CeGaT Center for Human Genetics Tuebingen
Classification: Likely benign. Last evaluated: 2024-03-01. Review status: criteria provided, single submitter. Criteria: CeGaT Center For Human Genetics Tuebingen Variant Classification Criteria Version 2. Collection method: clinical testing. Allele origin: germline. Affected: yes. Observed: 1 variant allele.
Comment: COL5A1: PM2:Supporting, BP4, BP7

Labcorp Genetics (formerly Invitae), Labcorp
Classification: Likely benign for Ehlers-Danlos syndrome, classic type, 1. Last evaluated: 2023-09-21. Review status: criteria provided, single submitter. Criteria: Invitae Variant Classification Sherloc (09022015). Collection method: clinical testing. Allele origin: germline.